The following is an entry in ClinVar:

NM_130837.3(OPA1):c.2685_2686del (p.Val895_Tyr896insTer)

Gene: OPA1 (OPA1 mitochondrial dynamin like GTPase; plus strand). Cytogenetic location: 3q29.
Variant type: Deletion.
Coding change: c.2685_2686del on transcript NM_130837.3 (MANE Select); coding-DNA positions 2685 to 2686, 2 bases deleted (TT; older notation c.2685_2686delTT).
Protein change: p.Val895_Tyr896insTer.
Molecular consequence: frameshift variant.
Genome position (GRCh38, 1-based): chr3:193,664,903-193,664,904, TT deleted; deleting any 2 consecutive bases within chr3:193,664,902-193,664,904 gives the same sequence; the c. name uses the placement nearest the transcript's 3' end. VCF-style (leftmost placement, unchanged base first): chr3-193664901-GTT-G. GRCh37 (hg19) VCF-style: chr3-193382690-GTT-G.
Other names: c.2151_2152del, p.Val717_Tyr718insTer (NM_001354663.2); c.2148_2149del, p.Val716_Tyr717insTer (NM_001354664.2); c.2520_2521del, p.Val840_Tyr841insTer (NM_015560.3); c.2412_2413del, p.Val804_Tyr805insTer (NM_130831.3); c.2466_2467del, p.Val822_Tyr823insTer (NM_130832.3); c.2523_2524del, p.Val841_Tyr842insTer (NM_130833.3); c.2574_2575del, p.Val858_Tyr859insTer (NM_130834.3); c.2577_2578del, p.Val859_Tyr860insTer (NM_130835.3); and 1 more.
Identifiers: ClinVar variation 2859244 (VCV002859244.3), dbSNP rs2109253558, ClinGen allele CA2739265866.

ClinVar aggregate classification (germline): Pathogenic (1 of 4 stars; one submission).

Submission:

Labcorp Genetics (formerly Invitae), Labcorp
Classification: Pathogenic. Last evaluated: 2023-05-05. Review status: criteria provided, single submitter. Criteria: Invitae Variant Classification Sherloc (09022015). Collection method: clinical testing. Allele origin: germline.
Comment: This sequence change creates a premature translational stop signal (p.Tyr841*) in the OPA1 gene. It is expected to result in an absent or disrupted protein product. Loss-of-function variants in OPA1 are known to be pathogenic (PMID: 11440988, 20157015, 20952381, 25012220). This variant is not present in population databases (gnomAD no frequency). This variant has not been reported in the literature in individuals affected with OPA1-related conditions. For these reasons, this variant has been classified as Pathogenic.

Literature cited by the submitters: PubMed 11440988; PubMed 20157015; PubMed 20952381; PubMed 25012220.